The following is an entry in ClinVar:

NM_181458.4(PAX3):c.321+6C>A

Gene: PAX3 (paired box 3; minus strand). Cytogenetic location: 2q36.1.
Variant type: single nucleotide variant.
Coding change: c.321+6C>A on transcript NM_181458.4 (MANE Select); 6 bases into the intron after coding-DNA position 321, C replaced by A.
Molecular consequence: intron variant.
Genome position (GRCh38, 1-based): chr2:222,296,972, G>T on the plus strand (C>A on the coding strand, the complement: PAX3 is on the minus strand). VCF-style: chr2-222296972-G-T. GRCh37 (hg19) VCF-style: chr2-223161691-G-T.
Other names: c.321+6C>A (NM_001127366.3, NM_181460.4, NM_181461.4 and 4 more transcripts).
Identifiers: ClinVar variation 1425682 (VCV001425682.6), dbSNP rs754445060, ClinGen allele CA2135785.

ClinVar aggregate classification (germline): Uncertain significance (1 of 4 stars; one submission).

Allele frequency attached by ClinVar (database versions not stated): gnomAD exomes 0.00001; ExAC 0.00003.
gnomAD v4.1: 27 of 1,609,020 alleles (0.0017%); highest among the groups gnomAD compares: South Asian, 0.0077%; no homozygotes.

Submission:

Labcorp Genetics (formerly Invitae), Labcorp
Classification: Uncertain significance. Last evaluated: 2025-03-29. Review status: criteria provided, single submitter. Criteria: Invitae Variant Classification Sherloc (09022015). Collection method: clinical testing. Allele origin: germline.
Comment: This sequence change falls in intron 2 of the PAX3 gene. It does not directly change the encoded amino acid sequence of the PAX3 protein. It affects a nucleotide within the consensus splice site. This variant is present in population databases (rs754445060, gnomAD 0.007%). This variant has not been reported in the literature in individuals affected with PAX3-related conditions. ClinVar contains an entry for this variant (Variation ID: 1425682). Variants that disrupt the consensus splice site are a relatively common cause of aberrant splicing (PMID: 17576681, 9536098). Algorithms developed to predict the effect of sequence changes on RNA splicing suggest that this variant is not likely to affect RNA splicing. In summary, the available evidence is currently insufficient to determine the role of this variant in disease. Therefore, it has been classified as a Variant of Uncertain Significance.

Literature cited by the submitters: PubMed 17576681; PubMed 9536098.